The following is an entry in ClinVar:

NM_024782.3(NHEJ1):c.200C>G (p.Ala67Gly)

Gene: NHEJ1 (non-homologous end joining factor 1; minus strand). Cytogenetic location: 2q35.
Variant type: single nucleotide variant.
Coding change: c.200C>G on transcript NM_024782.3 (MANE Select); coding-DNA position 200, C replaced by G.
Protein change: p.Ala67Gly; replaces alanine 67 with glycine.
Molecular consequence: missense variant. On other transcripts: non-coding transcript variant (1).
Genome position (GRCh38, 1-based): chr2:219,157,662, G>C on the plus strand (C>G on the coding strand, the complement: NHEJ1 is on the minus strand). VCF-style: chr2-219157662-G-C. GRCh37 (hg19) VCF-style: chr2-220022384-G-C.
Other names: c.200C>G, p.Ala67Gly (NM_001377498.1, NM_001377499.1); short protein forms A67G.
Identifiers: ClinVar variation 1946613 (VCV001946613.5), dbSNP rs942212112, ClinGen allele CA65943542.
Genomic context (GRCh38, chr2:219,157,662, plus strand): 5'-GCGTCCTTCAACAATGGGCGAAGGAGATTATCCAAATGACAGAGGAAAGCTGCAGGAGGA[G>C]CAGTGAGCCGCTTGTTCAGCTCCTAAAGAGAGAGCAGTGGTACAGAGTAAGGGTGCTAAA-3'
Protein context (NP_079058.1, residues 57-77): RAKELNKRLT[Ala67Gly]PPAAFLCHLD

ClinVar aggregate classification (germline): Uncertain significance (1 of 4 stars; one submission).

Conditions:
Cernunnos-XLF deficiency (IMD124). Also called: SCID, AUTOSOMAL RECESSIVE, T CELL-NEGATIVE, B CELL-NEGATIVE, NK CELL-POSITIVE, WITH MICROCEPHALY, GROWTH RETARDATION, AND SENSITIVITY TO IONIZING RADIATION; Severe combined immunodeficiency with sensitivity to ionizing radiation due to NHEJ1 deficiency; SCID, autosomal recessive, T cell-negative, B cell-negative, NK cell-positive, and sensitivity to ionizing radiation due to NHEJ1 deficiency; IMMUNODEFICIENCY 124, SEVERE COMBINED; NHEJ1 SYNDROME. Identifiers: Orphanet 169079, MedGen C1969799, MONDO:0012650, OMIM 611291.

Allele frequency attached by ClinVar (database versions not stated): TOPMed below 0.00001.

Submission:

Labcorp Genetics (formerly Invitae), Labcorp
Classification: Uncertain significance for Cernunnos-XLF deficiency. Last evaluated: 2022-07-05. Review status: criteria provided, single submitter. Criteria: Invitae Variant Classification Sherloc (09022015). Collection method: clinical testing. Allele origin: germline.
Comment: In summary, the available evidence is currently insufficient to determine the role of this variant in disease. Therefore, it has been classified as a Variant of Uncertain Significance. Algorithms developed to predict the effect of missense changes on protein structure and function are either unavailable or do not agree on the potential impact of this missense change (SIFT: "Deleterious"; PolyPhen-2: "Probably Damaging"; Align-GVGD: "Class C0"). This variant has not been reported in the literature in individuals affected with NHEJ1-related conditions. This variant is not present in population databases (gnomAD no frequency). This sequence change replaces alanine, which is neutral and non-polar, with glycine, which is neutral and non-polar, at codon 67 of the NHEJ1 protein (p.Ala67Gly).